The following is an entry in ClinVar:

ClinVar aggregate classification (germline): Uncertain significance. Review status: criteria provided, multiple submitters, no conflicts (2 of 4 stars). 2 submissions from 2 submitters: Uncertain significance (2). Last evaluated 2025-06-23.

Conditions:
Malignant hyperthermia, susceptibility to, 5 (MHS5). Also called: CACNA1S-Related Malignant Hyperthermia Susceptibility. Identifiers: Orphanet 423, MedGen C1866077, MONDO:0011163, OMIM 601887.
Hypokalemic periodic paralysis, type 1. Also called: Hypokalemic Periodic Paralysis Type 1 (AD); HypoPP. Identifiers: Orphanet 681, MedGen C3714580, MONDO:0042979, OMIM 170400.

gnomAD v4.1: 2 of 1,614,072 alleles (0.00012%); highest among the groups gnomAD compares: Non-Finnish European, 0.00017%; no homozygotes.

Submissions (2):

Color Diagnostics, LLC DBA Color Health
Classification: Uncertain significance for Malignant hyperthermia, susceptibility to, 5. Last evaluated: 2025-06-23. Review status: criteria provided, single submitter. Criteria: ACMG Guidelines, 2015. Collection method: clinical testing. Allele origin: germline.
Comment: This missense variant replaces glycine with aspartic acid at codon 861 of the CACNA1S protein. Computational prediction suggests that this variant may have deleterious impact on protein structure and function. To our knowledge, functional studies have not been reported for this variant. This variant has not been reported in individuals affected with CACNA1S-related disorders in the literature. This variant has not been identified in the general population by the Genome Aggregation Database (gnomAD). The available evidence is insufficient to determine the role of this variant in disease conclusively. Therefore, this variant is classified as a Variant of Uncertain Significance.

Labcorp Genetics (formerly Invitae), Labcorp
Classification: Uncertain significance for Hypokalemic periodic paralysis, type 1; Malignant hyperthermia, susceptibility to, 5. Last evaluated: 2024-03-22. Review status: criteria provided, single submitter. Criteria: Invitae Variant Classification Sherloc (09022015). Collection method: clinical testing. Allele origin: germline.
Comment: This sequence change replaces glycine, which is neutral and non-polar, with aspartic acid, which is acidic and polar, at codon 861 of the CACNA1S protein (p.Gly861Asp). This variant is not present in population databases (gnomAD no frequency). This variant has not been reported in the literature in individuals affected with CACNA1S-related conditions. Advanced modeling of protein sequence and biophysical properties (such as structural, functional, and spatial information, amino acid conservation, physicochemical variation, residue mobility, and thermodynamic stability) performed at Invitae indicates that this missense variant is not expected to disrupt CACNA1S protein function with a negative predictive value of 80%. In summary, the available evidence is currently insufficient to determine the role of this variant in disease. Therefore, it has been classified as a Variant of Uncertain Significance.

NM_000069.3(CACNA1S):c.2582G>A (p.Gly861Asp)

Gene: CACNA1S (calcium voltage-gated channel subunit alpha1 S; minus strand). Cytogenetic location: 1q32.1.
Variant type: single nucleotide variant.
Coding change: c.2582G>A on transcript NM_000069.3 (MANE Select); coding-DNA position 2582, G replaced by A.
Protein change: p.Gly861Asp; replaces glycine 861 with aspartic acid.
Molecular consequence: missense variant.
Genome position (GRCh38, 1-based): chr1:201,066,962, C>T on the plus strand (G>A on the coding strand, the complement: CACNA1S is on the minus strand). VCF-style: chr1-201066962-C-T. GRCh37 (hg19) VCF-style: chr1-201036090-C-T.
Other names: short protein forms G861D.
Identifiers: ClinVar variation 2930013 (VCV002930013.4), dbSNP rs369192794, ClinGen allele CA344104193.